The following is an entry in ClinVar:

NM_018245.3(OGDHL):c.2211C>A (p.Phe737Leu)

Gene: OGDHL (oxoglutarate dehydrogenase L; minus strand). Cytogenetic location: 10q11.23.
Variant type: single nucleotide variant.
Coding change: c.2211C>A on transcript NM_018245.3 (MANE Select); coding-DNA position 2211, C replaced by A.
Protein change: p.Phe737Leu; replaces phenylalanine 737 with leucine.
Molecular consequence: missense variant. On other transcripts: non-coding transcript variant (5).
Genome position (GRCh38, 1-based): chr10:49,739,769, G>T on the plus strand (C>A on the coding strand, the complement: OGDHL is on the minus strand). VCF-style: chr10-49739769-G-T. GRCh37 (hg19) VCF-style: chr10-50947815-G-T.
Other names: c.2040C>A, p.Phe680Leu (NM_001143996.2, NM_001347820.1); c.1584C>A, p.Phe528Leu (NM_001143997.2, NM_001347821.2, NM_001347822.1); c.2211C>A, p.Phe737Leu (NM_001347819.1); c.2031C>A, p.Phe677Leu (NM_001347823.1, NM_001347824.2); c.1404C>A, p.Phe468Leu (NM_001347825.2); c.1014C>A, p.Phe338Leu (NM_001347826.1); short protein forms F338L, F468L, F528L, F677L, F680L, F737L.
Identifiers: ClinVar variation 3342543 (VCV003342543.1).

ClinVar aggregate classification (germline): Uncertain significance (1 of 4 stars; one submission).

gnomAD v4.1: 3 of 1,614,138 alleles (0.00019%); highest among the groups gnomAD compares: Admixed American, 0.0033%; no homozygotes.

Submission:

GeneDx
Classification: Uncertain significance. Last evaluated: 2022-06-14. Review status: criteria provided, single submitter. Criteria: GeneDx Variant Classification Process June 2021. Collection method: clinical testing. Allele origin: germline. Affected: yes.
Comment: In silico analysis supports that this missense variant has a deleterious effect on protein structure/function; Has not been previously published as pathogenic or benign to our knowledge; Variants in candidate genes are classified as variants of uncertain significance in accordance with ACMG guidelines (Richards et al., 2015)